The following is an entry in ClinVar:

ClinVar aggregate classification (germline): Uncertain significance (1 of 4 stars; one submission).

Conditions:
Ullrich congenital muscular dystrophy 2 (UCMD2). Identifiers: Orphanet 75840, MedGen C4225314, MONDO:0014654, OMIM 616470.
Bethlem myopathy 2 (BTHLM2). Identifiers: Orphanet 536516, Orphanet 610, MedGen C4225313, MONDO:0034022, OMIM 616471.

Submission:

Labcorp Genetics (formerly Invitae), Labcorp
Classification: Uncertain significance for Bethlem myopathy 2; Ullrich congenital muscular dystrophy 2. Last evaluated: 2018-12-31. Review status: criteria provided, single submitter. Criteria: Invitae Variant Classification Sherloc (09022015). Collection method: clinical testing. Allele origin: germline.
Comment: This sequence change replaces glycine with glutamic acid at codon 2972 of the COL12A1 protein (p.Gly2972Glu). The glycine residue is highly conserved and there is a moderate physicochemical difference between glycine and glutamic acid. In summary, the available evidence is currently insufficient to determine the role of this variant in disease. Therefore, it has been classified as a Variant of Uncertain Significance. Algorithms developed to predict the effect of missense changes on protein structure and function are either unavailable or do not agree on the potential impact of this missense change (SIFT: "Deleterious"; PolyPhen-2: "Probably Damaging"; Align-GVGD: "Class C0"). This variant has not been reported in the literature in individuals with COL12A1-related disease. This variant is not present in population databases (ExAC no frequency).

NM_004370.6(COL12A1):c.8915G>A (p.Gly2972Glu)

Gene: COL12A1 (collagen type XII alpha 1 chain; minus strand). Cytogenetic location: 6q13.
Variant type: single nucleotide variant.
Coding change: c.8915G>A on transcript NM_004370.6 (MANE Select); coding-DNA position 8915, G replaced by A.
Protein change: p.Gly2972Glu; replaces glycine 2972 with glutamic acid.
Molecular consequence: missense variant.
Genome position (GRCh38, 1-based): chr6:75,090,136, C>T on the plus strand (G>A on the coding strand, the complement: COL12A1 is on the minus strand). VCF-style: chr6-75090136-C-T. GRCh37 (hg19) VCF-style: chr6-75799852-C-T.
Other names: c.5423G>A, p.Gly1808Glu (NM_080645.3); short protein forms G2972E, G1808E.
Identifiers: ClinVar variation 657406 (VCV000657406.9), dbSNP rs1582030236, ClinGen allele CA364734538.